The following is an entry in ClinVar:

ClinVar aggregate classification (germline): Benign/Likely benign. Review status: criteria provided, multiple submitters, no conflicts (2 of 4 stars). 4 submissions from 4 submitters: Benign (1); Likely benign (3). Last evaluated 2025-11-05.

Conditions:
Familial colorectal cancer type X. Identifiers: Orphanet 440437, MedGen C3896578, MONDO:0018604.
Hereditary cancer-predisposing syndrome. Also called: Hereditary neoplastic syndrome; Neoplastic Syndromes, Hereditary; Tumor predisposition; Hereditary Cancer Syndrome. Identifiers: Orphanet 140162, MedGen C0027672, MeSH D009386, MONDO:0015356.
Familial cancer of breast. Also called: BREAST CANCER, FAMILIAL; Hereditary breast cancer; hereditary breast carcinoma. Identifiers: Orphanet 227535, MedGen C0346153, MONDO:0016419, OMIM 114480. Disease mechanism: loss of function.
Ataxia-telangiectasia syndrome (AT). Also called: LOUIS-BAR SYNDROME; Cerebello-oculocutaneous telangiectasia; Immunodeficiency with ataxia telangiectasia; AT, COMPLEMENTATION GROUP C; Ataxia-telangiectasia, complementation group D; ATAXIA-TELANGIECTASIA, COMPLEMENTATION GROUP A. Identifiers: Orphanet 100, MedGen C0004135, MONDO:0008840, OMIM 208900.

Allele frequency attached by ClinVar (database versions not stated): gnomAD exomes below 0.00001; TOPMed below 0.00001; gnomAD 0.00001.
gnomAD v4.1: 2 of 1,613,596 alleles (0.00012%); highest among the groups gnomAD compares: African/African-American, 0.0027%; no homozygotes.

Submissions (4):

Labcorp Genetics (formerly Invitae), Labcorp
Classification: Likely benign for Ataxia-telangiectasia syndrome. Last evaluated: 2025-11-05. Review status: criteria provided, single submitter. Criteria: Invitae Variant Classification Sherloc (09022015). Collection method: clinical testing. Allele origin: germline.

Myriad Genetics, Inc.
Classification: Benign for Familial cancer of breast. Last evaluated: 2024-05-20. Review status: criteria provided, single submitter. Criteria: Myriad Autosomal Dominant, Autosomal Recessive and X-Linked Classification Criteria (2023). Collection method: clinical testing. Allele origin: unknown.
Comment: This variant is considered benign. This variant is a silent/synonymous amino acid change and it is not expected to impact splicing.

Department of Pathology and Laboratory Medicine, Sinai Health System
Classification: Likely benign for Familial colorectal cancer type X. Last evaluated: 2023-10-23. Review status: criteria provided, single submitter. Criteria: ACMG Guidelines, 2015. Collection method: clinical testing. Allele origin: germline. Affected: yes.

Ambry Genetics
Classification: Likely benign for Hereditary cancer-predisposing syndrome. Last evaluated: 2017-08-24. Review status: criteria provided, single submitter. Criteria: Ambry Variant Classification Scheme 2023. Collection method: clinical testing. Allele origin: germline.

NM_000051.4(ATM):c.4500G>A (p.Gln1500=)

Gene: ATM (ATM serine/threonine kinase; plus strand). Cytogenetic location: 11q22.3.
Variant type: single nucleotide variant.
Coding change: c.4500G>A on transcript NM_000051.4 (MANE Select); coding-DNA position 4500, G replaced by A.
Protein change: p.Gln1500=; no amino-acid change (glutamine 1500 retained).
Molecular consequence: synonymous variant.
Genome position (GRCh38, 1-based): chr11:108,292,682, G>A. VCF-style: chr11-108292682-G-A. GRCh37 (hg19) VCF-style: chr11-108163409-G-A.
Other names: c.4500G>A, p.Gln1500= (NM_001351834.2).
Identifiers: ClinVar variation 482751 (VCV000482751.16), dbSNP rs1345605814, ClinGen allele CA476674161.